The following is an entry in ClinVar:

ClinVar aggregate classification (germline): Conflicting classifications of pathogenicity. Review status: criteria provided, conflicting classifications (1 of 4 stars). 3 submissions from 3 submitters: Uncertain significance (1); Benign (1). 1 of the submissions does not count toward it. Last evaluated 2026-01-24.

Conditions:
DCAF17-related disorder. Also called: DCAF17-related condition.
Woodhouse-Sakati syndrome. Also called: EXTRAPYRAMIDAL DISORDER, PROGRESSIVE, WITH PRIMARY HYPOGONADISM, MENTAL RETARDATION, AND ALOPECIA; Hypogonadism, diabetes mellitus, alopecia, mental retardation and electrocardiographic abnormalities; Hypogonadism, Alopecia, Diabetes Mellitus, Mental Retardation, and Extrapyramidal Syndrome. Identifiers: Orphanet 3464, MedGen C0342286, MONDO:0009419, OMIM 241080.

Allele frequency attached by ClinVar (database versions not stated): ExAC 0.00049; TOPMed below 0.00001; 1000 Genomes Project 30x 0.00031; gnomAD exomes 0.00034.

Submissions (3):

Labcorp Genetics (formerly Invitae), Labcorp
Classification: Benign for Woodhouse-Sakati syndrome. Last evaluated: 2026-01-24. Review status: criteria provided, single submitter. Criteria: Invitae Variant Classification Sherloc (09022015). Collection method: clinical testing. Allele origin: germline.

Genomic Medicine Center of Excellence, King Faisal Specialist Hospital and Research Centre
Classification: Uncertain significance for Woodhouse-Sakati syndrome. Last evaluated: 2024-06-08. Review status: criteria provided, single submitter. Criteria: ACMG Guidelines, 2015. Collection method: research. Allele origin: germline. Affected: yes.
Comment: Downgraded variant due to updated local frequency

PreventionGenetics, part of Exact Sciences
Classification: Benign for DCAF17-related condition. Last evaluated: 2020-11-02. Review status: no assertion criteria provided. Collection method: clinical testing. Allele origin: germline. Not counted in ClinVar's aggregate classification.
Comment: This variant is classified as benign based on ACMG/AMP sequence variant interpretation guidelines (Richards et al. 2015 PMID: 25741868, with internal and published modifications).

Literature cited by the submitters: NA (cited by Genomic Medicine Center of Excellence, King Faisal Specialist Hospital and Research Centre).

NM_025000.4(DCAF17):c.322-14del

Gene: DCAF17 (DDB1 and CUL4 associated factor 17; plus strand). Cytogenetic location: 2q31.1.
Variant type: Deletion.
Coding change: c.322-14del on transcript NM_025000.4 (MANE Select); 14 bases into the intron before coding-DNA position 322, one base deleted (C; older notation c.322-14delC).
Molecular consequence: intron variant.
Genome position (GRCh38, 1-based): chr2:171,448,667, C deleted. VCF-style (leftmost placement, unchanged base first): chr2-171448666-TC-T. GRCh37 (hg19) VCF-style: chr2-172305176-TC-T.
Other names: c.322-14del (NM_001164821.2); c.322-14delC (NM_025000.3).
Identifiers: ClinVar variation 191309 (VCV000191309.14), dbSNP rs201494527, ClinGen allele CA236421.